The following is an entry in ClinVar:

ClinVar aggregate classification (germline): Uncertain significance (1 of 4 stars; one submission).

Allele frequency attached by ClinVar (database versions not stated): gnomAD exomes below 0.00001 and 0.00001; TOPMed below 0.00001.
gnomAD v4.1: 1 of 1,536,686 alleles (0.000065%); highest among the groups gnomAD compares: Non-Finnish European, 0.000087%; no homozygotes.

Submission:

GeneDx
Classification: Uncertain significance. Last evaluated: 2021-04-22. Review status: criteria provided, single submitter. Criteria: GeneDx Variant Classification Process June 2021. Collection method: clinical testing. Allele origin: germline. Affected: yes.
Comment: Has not been previously published as pathogenic or benign to our knowledge; In silico analysis supports that this missense variant does not alter protein structure/function

NM_001382567.1(STIM1):c.1634+249T>G

Gene: STIM1 (stromal interaction molecule 1; plus strand). Cytogenetic location: 11p15.4.
Variant type: single nucleotide variant.
Coding change: c.1634+249T>G on transcript NM_001382567.1 (MANE Select); 249 bases into the intron after coding-DNA position 1634, T replaced by G.
Molecular consequence: intron variant. On other transcripts: missense variant (2).
Genome position (GRCh38, 1-based): chr11:4,086,792, T>G. VCF-style: chr11-4086792-T-G. GRCh37 (hg19) VCF-style: chr11-4108022-T-G.
Other names: c.1790T>G, p.Met597Arg (NM_001277961.3); c.1568T>G, p.Met523Arg (NM_001382566.1); c.1319+249T>G (NM_001382578.1, NM_001382575.1, NM_001382576.1 and 2 more transcripts); c.1052+249T>G (NM_001382580.1, NM_001382581.1); c.1562+249T>G (NM_001382568.1); c.1541+249T>G (NM_001277962.2, NM_003156.4); c.1313+249T>G (NM_001382570.1); c.1406+249T>G (NM_001382569.1); and 1 more; short protein forms M523R, M597R.
Identifiers: ClinVar variation 1326507 (VCV001326507.2), dbSNP rs1164304693, ClinGen allele CA379195839.